The following is an entry in ClinVar:

NC_000001.10:g.(?_120277247)_(120277399_?)del

Gene: PHGDH (phosphoglycerate dehydrogenase; plus strand). Cytogenetic location: 1p12.
Variant type: Deletion.
Identifiers: ClinVar variation 1076466 (VCV001076466.5).

ClinVar aggregate classification (germline): Pathogenic (1 of 4 stars; one submission).

Conditions:
PHGDH deficiency. Identifiers: Orphanet 79351, MedGen C1866174, MONDO:0011152, OMIM 601815.

Submission:

Labcorp Genetics (formerly Invitae), Labcorp
Classification: Pathogenic for PHGDH deficiency. Last evaluated: 2020-03-05. Review status: criteria provided, single submitter. Criteria: Invitae Variant Classification Sherloc (09022015). Collection method: clinical testing. Allele origin: germline.
Comment: For these reasons, this variant has been classified as Pathogenic. Loss-of-function variants in PHGDH are known to be pathogenic (PMID: 14645240, 24836451). This variant has not been reported in the literature in individuals with PHGDH-related conditions. This variant is an out-of-frame deletion of the genomic region encompassing exon 6 of the PHGDH gene. This is expected to create a premature translational stop signal and result in an absent or disrupted protein product.

Literature cited by the submitters: PubMed 14645240; PubMed 24836451.